The following is an entry in ClinVar:

ClinVar aggregate classification (germline): Likely benign. Review status: criteria provided, multiple submitters, no conflicts (2 of 4 stars). 2 submissions from 2 submitters: Likely benign (2). Last evaluated 2026-03-26.

Conditions:
GJB3-related disorder. Also called: GJB3-related condition.

Submissions (2):

PreventionGenetics, part of Exact Sciences
Classification: Likely benign for GJB3-related condition. Last evaluated: 2026-03-26. Review status: criteria provided, single submitter. Criteria: ACMG Guidelines, 2015. Collection method: clinical testing. Allele origin: germline.
Comment: This variant is classified as likely benign based on ACMG/AMP sequence variant interpretation guidelines (Richards et al. 2015 PMID: 25741868, with internal and published modifications).

Labcorp Genetics (formerly Invitae), Labcorp
Classification: Likely benign. Last evaluated: 2021-02-13. Review status: criteria provided, single submitter. Criteria: Invitae Variant Classification Sherloc (09022015). Collection method: clinical testing. Allele origin: germline.

NM_024009.3(GJB3):c.381G>A (p.Leu127=)

Gene: GJB3 (gap junction protein beta 3; plus strand). Cytogenetic location: 1p34.3.
Variant type: single nucleotide variant.
Coding change: c.381G>A on transcript NM_024009.3 (MANE Select); coding-DNA position 381, G replaced by A.
Protein change: p.Leu127=; no amino-acid change (leucine 127 retained).
Molecular consequence: synonymous variant.
Genome position (GRCh38, 1-based): chr1:34,785,143, G>A. VCF-style: chr1-34785143-G-A. GRCh37 (hg19) VCF-style: chr1-35250744-G-A.
Other names: c.381G>A, p.Leu127= (NM_001005752.2); c.381G>A (NM_024009.2).
Identifiers: ClinVar variation 1532523 (VCV001532523.9), dbSNP rs2148354345, ClinGen allele CA417248691.
Genomic context (GRCh38, chr1:34,785,143, plus strand): 5'-GAAACACGGGGACCAGTGCGCCAAGCTGTACGACAACGCAGGCAAGAAGCACGGAGGCCT[G>A]TGGTGGACCTACCTGTTCAGCCTCATCTTCAAGCTCATCATTGAGTTCCTCTTCCTCTAC-3'
Protein context (NP_076872.1, residues 117-137): YDNAGKKHGG[Leu127=]WWTYLFSLIF